The following is an entry in ClinVar:

NM_007294.4(BRCA1):c.1752del (p.Glu585fs)

Gene: BRCA1 (BRCA1 DNA repair associated; minus strand). Cytogenetic location: 17q21.31.
Variant type: Deletion.
Coding change: c.1752del on transcript NM_007294.4 (MANE Select); coding-DNA position 1752, one base deleted (T; older notation c.1752delT).
Protein change: p.Glu585fs; shifts the reading frame from glutamic acid 585.
Molecular consequence: frameshift variant. On other transcripts: intron variant (137).
Genome position (GRCh38, 1-based): chr17:43,093,779, A deleted on the plus strand (T on the coding strand, the reverse complement: BRCA1 is on the minus strand). VCF-style (leftmost placement, unchanged base first): chr17-43093778-CA-C. GRCh37 (hg19) VCF-style: chr17-41245795-CA-C.
Other names: c.1551del, p.Glu518fs (NM_001407862.1); c.1629del, p.Glu544fs (NM_001407863.1, NM_001407919.1, NM_001407937.1 and 19 more transcripts); c.1548del, p.Glu517fs (NM_001407874.1, NM_001407875.1); c.1542del, p.Glu515fs (NM_001407879.1, NM_001407881.1, NM_001407882.1 and 13 more transcripts); c.1539del, p.Glu514fs (NM_001407894.1, NM_001407895.1, NM_001407896.1 and 9 more transcripts); c.577+965del (NM_001408478.1, NM_001408514.1, NM_001408485.1 and 9 more transcripts); c.661+965del (NM_001408450.1, NM_001408434.1, NM_001408447.1 and 6 more transcripts); c.784+965del (NM_001408398.1, NM_001407992.1, NM_001408400.1 and 13 more transcripts); and 41 more; short protein forms E289fs, E417fs, E457fs, E458fs, E473fs, E474fs, E496fs, E497fs.
Identifiers: ClinVar variation 3337864 (VCV003337864.2).
Genomic context (GRCh38, chr17:43,093,778, plus strand): 5'-CTTTTGAATTGTGGATATTTAATTCGAGTTCCATATTGCTTATACTGCTGCTTATAGGTT[CA>C]GCTTTCGTTTTGAAAGCAGATTCTTTTTCGAGTGATTCTATTGGGTTAGGATTTTTCTCA-3'

ClinVar aggregate classification (germline): Pathogenic. Review status: criteria provided, multiple submitters, no conflicts (2 of 4 stars). 2 submissions from 2 submitters: Pathogenic (2). Last evaluated 2026-01-27.

Conditions:
Breast-ovarian cancer, familial, susceptibility to, 1 (BROVCA1). Also called: BRCA1 Hereditary Breast and Ovarian Cancer; OVARIAN CANCER, SUSCEPTIBILITY TO. Identifiers: Orphanet 145, MedGen C2676676, MONDO:0011450, OMIM 604370. Disease mechanism: loss of function.

Submissions (2):

Myriad Genetics, Inc.
Classification: Pathogenic for Breast-ovarian cancer, familial, susceptibility to, 1. Last evaluated: 2026-01-27. Review status: criteria provided, single submitter. Criteria: Myriad Autosomal Dominant, Autosomal Recessive and X-Linked Classification Criteria (2023). Collection method: clinical testing. Allele origin: unknown.
Comment: This variant is considered pathogenic. This variant creates a frameshift predicted to result in premature protein truncation.

Clinical Genetics Laboratory, Skane University Hospital Lund
Classification: Pathogenic. Last evaluated: 2022-05-27. Review status: criteria provided, single submitter. Criteria: ACMG Guidelines, 2015. Collection method: clinical testing. Allele origin: germline. Affected: yes.